The following is an entry in ClinVar:

ClinVar aggregate classification (germline): Uncertain significance (1 of 4 stars; one submission).

Conditions:
Brugada syndrome 8 (BRGDA8). Identifiers: Orphanet 130, MedGen C2751083, MONDO:0013148, OMIM 613123.

Submission:

Labcorp Genetics (formerly Invitae), Labcorp
Classification: Uncertain significance for Brugada syndrome 8. Last evaluated: 2024-08-09. Review status: criteria provided, single submitter. Criteria: Invitae Variant Classification Sherloc (09022015). Collection method: clinical testing. Allele origin: germline.
Comment: This sequence change replaces arginine, which is basic and polar, with tryptophan, which is neutral and slightly polar, at codon 11 of the HCN4 protein (p.Arg11Trp). This variant is not present in population databases (gnomAD no frequency). This variant has not been reported in the literature in individuals affected with HCN4-related conditions. Advanced modeling of protein sequence and biophysical properties (such as structural, functional, and spatial information, amino acid conservation, physicochemical variation, residue mobility, and thermodynamic stability) performed at Invitae indicates that this missense variant is not expected to disrupt HCN4 protein function with a negative predictive value of 95%. In summary, the available evidence is currently insufficient to determine the role of this variant in disease. Therefore, it has been classified as a Variant of Uncertain Significance.

NM_005477.3(HCN4):c.31C>T (p.Arg11Trp)

Gene: HCN4 (hyperpolarization activated cyclic nucleotide gated potassium channel 4; minus strand). Cytogenetic location: 15q24.1.
Variant type: single nucleotide variant.
Coding change: c.31C>T on transcript NM_005477.3 (MANE Select); coding-DNA position 31, C replaced by T.
Protein change: p.Arg11Trp; replaces arginine 11 with tryptophan.
Molecular consequence: missense variant.
Genome position (GRCh38, 1-based): chr15:73,368,240, G>A on the plus strand (C>T on the coding strand, the complement: HCN4 is on the minus strand). VCF-style: chr15-73368240-G-A. GRCh37 (hg19) VCF-style: chr15-73660581-G-A.
Other names: short protein forms R11W.
Identifiers: ClinVar variation 3669472 (VCV003669472.2).